The following is an entry in ClinVar:

ClinVar aggregate classification (germline): Uncertain significance (1 of 4 stars; one submission).

Conditions:
Dilated cardiomyopathy 1G (CMD1G). Identifiers: Orphanet 154, MedGen C1858763, MONDO:0011400, OMIM 604145.
Autosomal recessive limb-girdle muscular dystrophy type 2J (LGMDR10). Also called: Limb-girdle muscular dystrophy, type 2J; MUSCULAR DYSTROPHY, LIMB-GIRDLE, AUTOSOMAL RECESSIVE 10. Identifiers: Orphanet 140922, MedGen C1837342, MONDO:0012127, OMIM 608807.

gnomAD v4.1: 5 of 1,613,834 alleles (0.00031%); highest among the groups gnomAD compares: Non-Finnish European, 0.00042%; no homozygotes.

Submission:

Labcorp Genetics (formerly Invitae), Labcorp
Classification: Uncertain significance for Dilated cardiomyopathy 1G; Autosomal recessive limb-girdle muscular dystrophy type 2J. Last evaluated: 2023-09-01. Review status: criteria provided, single submitter. Criteria: Invitae Variant Classification Sherloc (09022015). Collection method: clinical testing. Allele origin: germline.
Comment: In summary, the available evidence is currently insufficient to determine the role of this variant in disease. Therefore, it has been classified as a Variant of Uncertain Significance. Experimental studies and prediction algorithms are not available or were not evaluated, and the functional significance of this variant is currently unknown. This variant has not been reported in the literature in individuals affected with TTN-related conditions. This variant is not present in population databases (gnomAD no frequency). This sequence change replaces proline, which is neutral and non-polar, with serine, which is neutral and polar, at codon 34285 of the TTN protein (p.Pro34285Ser).

NM_001267550.2(TTN):c.102853C>T (p.Pro34285Ser)

Genes: TTN (titin; minus strand), TTN-AS1 (TTN antisense RNA 1; plus strand). Cytogenetic location: 2q31.2.
Variant type: single nucleotide variant.
Coding change: c.102853C>T on transcript NM_001267550.2 (MANE Select); coding-DNA position 102853, C replaced by T.
Protein change: p.Pro34285Ser; replaces proline 34285 with serine.
Molecular consequence: missense variant.
Genome position (GRCh38, 1-based): chr2:178,533,762, G>A on the plus strand (C>T on the coding strand, the complement: TTN is on the minus strand). VCF-style: chr2-178533762-G-A. GRCh37 (hg19) VCF-style: chr2-179398489-G-A.
Other names: c.97930C>T, p.Pro32644Ser (NM_001256850.1); c.75658C>T, p.Pro25220Ser (NM_003319.4); c.95149C>T, p.Pro31717Ser (NM_133378.4); c.76033C>T, p.Pro25345Ser (NM_133432.3); c.76234C>T, p.Pro25412Ser (NM_133437.4); short protein forms P32644S, P31717S, P25345S, P25412S, P34285S, P25220S.
Identifiers: ClinVar variation 2927316 (VCV002927316.3), dbSNP rs794729563, ClinGen allele CA349415930.